The following is an entry in ClinVar:

ClinVar aggregate classification (germline): Benign. Review status: criteria provided, multiple submitters, no conflicts (2 of 4 stars). 2 submissions from 2 submitters: Benign (2). Last evaluated 2018-01-13.

Conditions:
Heterotaxy, visceral, 4, autosomal (HTX4). Identifiers: Orphanet 450, MedGen C3151057, MONDO:0013403, OMIM 613751.

Allele frequency attached by ClinVar (database versions not stated): 1000 Genomes Project 30x 0.34697; 1000 Genomes Project 0.35323; TOPMed 0.40019; gnomAD exomes 0.52812.
gnomAD v4.1: 65,004 of 152,376 alleles (43%); highest among the groups gnomAD compares: Non-Finnish European, 57%; 16,228 homozygotes.

Submissions (2):

Illumina Laboratory Services, Illumina
Classification: Benign for Heterotaxy, visceral, 4, autosomal. Last evaluated: 2018-01-13. Review status: criteria provided, single submitter. Criteria: ICSL Variant Classification Criteria 13 December 2019. Collection method: clinical testing. Allele origin: germline.
Comment: This variant was observed in the ICSL laboratory as part of a predisposition screen in an ostensibly healthy population. It had not been previously curated by ICSL or reported in the Human Gene Mutation Database (HGMD: prior to June 1st, 2018), and was therefore a candidate for classification through an automated scoring system. Utilizing variant allele frequency, disease prevalence and penetrance estimates, and inheritance mode, an automated score was calculated to assess if this variant is too frequent to cause the disease. Based on the score and internal cut-off values, a variant classified as benign is not then subjected to further curation. The score for this variant resulted in a classification of benign for this disease.

Breakthrough Genomics
Classification: Benign. Review status: criteria provided, single submitter. Criteria: ACMG Guidelines, 2015. Collection method: not provided. Allele origin: germline. Inheritance: Unknown mechanism. Affected: yes.

NM_001106.4(ACVR2B):c.*3714G>T

Gene: ACVR2B (activin A receptor type 2B; plus strand). Cytogenetic location: 3p22.2.
Variant type: single nucleotide variant.
Coding change: c.*3714G>T on transcript NM_001106.4 (MANE Select); 3714 bases downstream of the stop codon, G replaced by T.
Molecular consequence: 3 prime UTR variant.
Genome position (GRCh38, 1-based): chr3:38,487,046, G>T. VCF-style: chr3-38487046-G-T. GRCh37 (hg19) VCF-style: chr3-38528537-G-T.
Identifiers: ClinVar variation 344981 (VCV000344981.6), dbSNP rs928813, ClinGen allele CA10618625.